The following is an entry in ClinVar:

NM_000051.4(ATM):c.432dup (p.Leu145fs)

Gene: ATM (ATM serine/threonine kinase; plus strand). Cytogenetic location: 11q22.3.
Variant type: Duplication.
Coding change: c.432dup on transcript NM_000051.4 (MANE Select); coding-DNA position 432, one base duplicated (A; older notation c.432dupA).
Protein change: p.Leu145fs; shifts the reading frame from leucine 145.
Molecular consequence: frameshift variant.
Genome position (GRCh38, 1-based): chr11:108,235,770, A duplicated. VCF-style (leftmost placement, unchanged base first): chr11-108235769-T-TA. GRCh37 (hg19) VCF-style: chr11-108106496-T-TA.
Other names: c.432dup, p.Leu145fs (NM_001351834.2); c.432dupA (NM_000051.3); short protein forms L145fs.
Identifiers: ClinVar variation 545740 (VCV000545740.11), dbSNP rs1555059330, ClinGen allele CA658821425.

ClinVar aggregate classification (germline): Pathogenic/Likely pathogenic. Review status: criteria provided, multiple submitters, no conflicts (2 of 4 stars). 2 submissions from 2 submitters: Pathogenic (1); Likely pathogenic (1). Last evaluated 2019-10-26.

Conditions:
Ataxia-telangiectasia syndrome (AT). Also called: Ataxia-telangiectasia, complementation group D; ATAXIA-TELANGIECTASIA, COMPLEMENTATION GROUP A; ATAXIA-TELANGIECTASIA, FRESNO VARIANT; Ataxia-telangiectasia; LOUIS-BAR SYNDROME; AT, COMPLEMENTATION GROUP C. Identifiers: Orphanet 100, MedGen C0004135, MONDO:0008840, OMIM 208900.

Submissions (2):

Labcorp Genetics (formerly Invitae), Labcorp
Classification: Pathogenic for Ataxia-telangiectasia syndrome. Last evaluated: 2019-10-26. Review status: criteria provided, single submitter. Criteria: Invitae Variant Classification Sherloc (09022015). Collection method: clinical testing. Allele origin: germline.
Comment: This sequence change creates a premature translational stop signal (p.Leu145Thrfs*14) in the ATM gene. It is expected to result in an absent or disrupted protein product. This variant is not present in population databases (ExAC no frequency). This variant has been observed in an individual affected with ataxia-telangiectasia (A-T) (PMID: 9443866). This variant is also known as 432insA in the literature. ClinVar contains an entry for this variant (Variation ID: 545740). Loss-of-function variants in ATM are known to be pathogenic (PMID: 23807571, 25614872). For these reasons, this variant has been classified as Pathogenic.

GeneDx
Classification: Likely pathogenic. Last evaluated: 2016-12-20. Review status: criteria provided, single submitter. Criteria: GeneDx Variant Classification (06012015). Collection method: clinical testing. Allele origin: germline. Affected: yes.
Comment: This duplication of one nucleotide in ATM is denoted c.432dupA at the cDNA level and p.Leu145ThrfsX14 (L145TfsX14) at the protein level. The normal sequence, with the base that is duplicated in brackets, is ACAT[dupA]CTAC. The duplication causes a frameshift which changes a Leucine to a Threonine at codon 145, and creates a premature stop codon at position 14 of the new reading frame. This variant is predicted to cause loss of normal protein function through either protein truncation or nonsense-mediated mRNA decay. ATM c.432dupA has been observed in the compound heterozygous state in at least one patient with ataxia-telangiectasia (Telatar 1998, Teraoka 1999, Mitui 2005). Based on the currently available information, we consider this duplication to be a likely pathogenic variant.

Literature cited by the submitters: PubMed 9443866 (cited by Labcorp Genetics (formerly Invitae), Labcorp); PubMed 23807571 (cited by Labcorp Genetics (formerly Invitae), Labcorp); PubMed 25614872 (cited by Labcorp Genetics (formerly Invitae), Labcorp).